The following is an entry in ClinVar:

ClinVar aggregate classification (germline): Conflicting classifications of pathogenicity. Review status: criteria provided, conflicting classifications (1 of 4 stars). 6 submissions from 6 submitters: Uncertain significance (2); Benign (1); Likely benign (3). Last evaluated 2026-07-14.

Conditions:
Hereditary cancer-predisposing syndrome. Also called: Hereditary Cancer Syndrome; Hereditary neoplastic syndrome; Neoplastic Syndromes, Hereditary; Tumor predisposition. Identifiers: Orphanet 140162, MedGen C0027672, MeSH D009386, MONDO:0015356.
Rhabdoid tumor predisposition syndrome 2 (RTPS2). Identifiers: Orphanet 231108, Orphanet 69077, MedGen C2750074, MONDO:0013224, OMIM 613325.

Allele frequency attached by ClinVar (database versions not stated): ESP Exome Variant Server 0.00015; ExAC 0.00002; gnomAD 0.00004 and 0.00003; TOPMed 0.00008; gnomAD exomes 0.00004 and 0.00006.
gnomAD v4.1: 96 of 1,612,982 alleles (0.006%); highest among the groups gnomAD compares: Non-Finnish European, 0.0079%; no homozygotes.

Submissions (6):

Myriad Genetics, Inc.
Classification: Benign for Rhabdoid tumor predisposition syndrome 2. Last evaluated: 2026-07-14. Review status: criteria provided, single submitter. Criteria: Myriad Autosomal Dominant, Autosomal Recessive and X-Linked Classification Criteria (2023). Collection method: clinical testing. Allele origin: unknown.
Comment: This variant is considered benign. This variant is a silent/synonymous amino acid change and it is not expected to impact splicing.

CeGaT Center for Human Genetics Tuebingen
Classification: Likely benign. Last evaluated: 2026-04-01. Review status: criteria provided, single submitter. Criteria: CeGaT Center For Human Genetics Tuebingen Variant Classification Criteria Version 2. Collection method: clinical testing. Allele origin: germline. Affected: yes. Observed: 3 variant alleles.
Comment: SMARCA4: BP4, BP7

Labcorp Genetics (formerly Invitae), Labcorp
Classification: Likely benign for Rhabdoid tumor predisposition syndrome 2. Last evaluated: 2026-01-28. Review status: criteria provided, single submitter. Criteria: Invitae Variant Classification Sherloc (09022015). Collection method: clinical testing. Allele origin: germline.

GeneDx
Classification: Uncertain significance. Last evaluated: 2025-01-15. Review status: criteria provided, single submitter. Criteria: GeneDx Variant Classification Process June 2021. Collection method: clinical testing. Allele origin: germline. Affected: yes.
Comment: In silico analysis indicates that this variant does not alter splicing; Has not been previously published as pathogenic or benign to our knowledge

Sema4
Classification: Uncertain significance for Hereditary cancer-predisposing syndrome. Last evaluated: 2021-11-06. Review status: criteria provided, single submitter. Criteria: Sema4 Curation Guidelines. Collection method: curation. Allele origin: germline.
Comment: The SMARCA4 c.3150C>T (p.Y1050=) variant has not been reported in the literature to our knowledge. It was observed in 10/128814 chromosomes of the Non-Finnish European subpopulation, with no homozygotes, in the large and broad cohorts of the Genome Aggregation Database (PMID: 32461654). The variant has been reported in ClinVar (Variation ID 415159). In silico tools suggest the variant does not disrupt normal splicing, though the nucleotide is moderately conserved and these predictions have not been confirmed by functional studies. The evidence is insufficient to meet ACMG/AMP criteria for classifying the variant as benign or pathogenic. Thus, the clinical significance of this variant is currently uncertain.

Ambry Genetics
Classification: Likely benign for Hereditary cancer-predisposing syndrome. Last evaluated: 2015-06-23. Review status: criteria provided, single submitter. Criteria: Ambry Variant Classification Scheme 2023. Collection method: clinical testing. Allele origin: germline.

NM_003072.5(SMARCA4):c.3150C>T (p.Tyr1050=)

Gene: SMARCA4 (SWI/SNF related BAF chromatin remodeling complex subunit ATPase 4; plus strand). Cytogenetic location: 19p13.2.
Variant type: single nucleotide variant.
Coding change: c.3150C>T on transcript NM_003072.5 (MANE Select); coding-DNA position 3150, C replaced by T.
Protein change: p.Tyr1050=; no amino-acid change (tyrosine 1050 retained).
Molecular consequence: synonymous variant. On other transcripts: non-coding transcript variant (1).
Genome position (GRCh38, 1-based): chr19:11,025,490, C>T. VCF-style: chr19-11025490-C-T. GRCh37 (hg19) VCF-style: chr19-11136166-C-T.
Other names: c.3150C>T, p.Tyr1050= (NM_001128844.3, NM_001128845.2, NM_001128846.2 and 5 more transcripts).
Identifiers: ClinVar variation 415159 (VCV000415159.42), dbSNP rs143160246, ClinGen allele CA9204327.
Genomic context (GRCh38, chr19:11,025,490, plus strand): 5'-CGGCACCAAGACCCTGATGAACACCATCATGCAGCTGCGGAAGATCTGCAACCACCCCTA[C>T]ATGTTCCAGCACATCGAGGTGAGCCCGCCGCGGCTGGGACGGCTCAGGCCCTGCTGTCTG-3'
Protein context (NP_003063.2, residues 1040-1060): MQLRKICNHP[Tyr1050=]MFQHIEESFS